The following is an entry in ClinVar:

ClinVar aggregate classification (germline): Likely benign (1 of 4 stars; one submission).

Conditions:
Tuberous sclerosis syndrome (TSC). Also called: Tuberous Sclerosis Complex; Tuberous sclerosis. Identifiers: Orphanet 805, MedGen C0041341, MONDO:0001734.

Submission:

All of Us Research Program, National Institutes of Health
Classification: Likely benign for Tuberous sclerosis syndrome. Last evaluated: 2023-08-15. Review status: criteria provided, single submitter. Criteria: ACMG Guidelines, 2015. Collection method: clinical testing. Allele origin: germline. Inheritance: Autosomal dominant inheritance. Observed: 1 variant allele, 1 heterozygote.
Comment: This study involves interpretation of variants in research participants for the purpose of population health screening. Participant phenotype was not available at the time of variant classification. Additional details can be found in publication PMID: 35346344, PMCID: PMC8962531

NM_000548.5(TSC2):c.4578C>A (p.Ser1526=)

Gene: TSC2 (TSC complex subunit 2; plus strand). Cytogenetic location: 16p13.3.
Variant type: single nucleotide variant.
Coding change: c.4578C>A on transcript NM_000548.5 (MANE Select); coding-DNA position 4578, C replaced by A.
Protein change: p.Ser1526=; no amino-acid change (serine 1526 retained).
Molecular consequence: synonymous variant. On other transcripts: non-coding transcript variant (5).
Genome position (GRCh38, 1-based): chr16:2,085,238, C>A. VCF-style: chr16-2085238-C-A. GRCh37 (hg19) VCF-style: chr16-2135239-C-A.
Other names: c.3102C>A, p.Ser1034= (NM_001406691.1); c.3036C>A, p.Ser1012= (NM_001406692.1, NM_001406693.1, NM_001406694.1); c.3033C>A, p.Ser1011= (NM_001406695.1, NM_001406696.1, NM_001406697.1); c.2775C>A, p.Ser925= (NM_001406698.1); c.4449C>A, p.Ser1483= (NM_021055.3, NM_001370405.1); c.3780C>A, p.Ser1260= (NM_001406686.1, NM_001406685.1); c.3777C>A, p.Ser1259= (NM_001406687.1, NM_001406688.1); c.3165C>A, p.Ser1055= (NM_001406689.1); and 26 more.
Identifiers: ClinVar variation 3072844 (VCV003072844.1), dbSNP rs771098638, ClinGen allele CA492957854.
Genomic context (GRCh38, chr16:2,085,238, plus strand): 5'-GGCCTCCTGTGGACGGGCGTCTGGGGCTCAGGCAGGGCTCTGTGTGCCACAGTCACAGTC[C>A]TTTGAGCGGTCGGTGCAGCTCCTCGACCAGATCCCATCATACGACACCCACAAGATCGCC-3'
Protein context (NP_000539.2, residues 1516-1536): KPILLPNESQ[Ser1526=]FERSVQLLDQ